The following is an entry in ClinVar:

ClinVar aggregate classification (germline): Uncertain significance (1 of 4 stars; one submission).

Conditions:
Progressive familial heart block type IB (PFHB1B). Identifiers: Orphanet 871, MedGen C1970298, MONDO:0011474, OMIM 604559.

gnomAD v4.1: 2 of 1,614,106 alleles (0.00012%); highest among the groups gnomAD compares: Non-Finnish European, 0.00017%; no homozygotes.

Submission:

Labcorp Genetics (formerly Invitae), Labcorp
Classification: Uncertain significance for Progressive familial heart block type IB. Last evaluated: 2025-12-15. Review status: criteria provided, single submitter. Criteria: Invitae Variant Classification Sherloc (09022015). Collection method: clinical testing. Allele origin: germline.
Comment: This sequence change replaces leucine, which is neutral and non-polar, with proline, which is neutral and non-polar, at codon 1088 of the TRPM4 protein (p.Leu1088Pro). This variant is present in population databases (no rsID available, gnomAD 0.007%). This variant has not been reported in the literature in individuals affected with TRPM4-related conditions. An algorithm developed to predict the effect of missense changes on protein structure and function (PolyPhen-2) suggests that this variant is likely to be disruptive. In summary, the available evidence is currently insufficient to determine the role of this variant in disease. Therefore, it has been classified as a Variant of Uncertain Significance.

NM_017636.4(TRPM4):c.3263T>C (p.Leu1088Pro)

Gene: TRPM4 (transient receptor potential cation channel subfamily M member 4; plus strand). Cytogenetic location: 19q13.33.
Variant type: single nucleotide variant.
Coding change: c.3263T>C on transcript NM_017636.4 (MANE Select); coding-DNA position 3263, T replaced by C.
Protein change: p.Leu1088Pro; replaces leucine 1088 with proline.
Molecular consequence: missense variant.
Genome position (GRCh38, 1-based): chr19:49,210,340, T>C. VCF-style: chr19-49210340-T-C. GRCh37 (hg19) VCF-style: chr19-49713597-T-C.
Other names: c.2918T>C, p.Leu973Pro (NM_001321281.2); c.1655T>C, p.Leu552Pro (NM_001321282.2); c.2741T>C, p.Leu914Pro (NM_001321283.2); c.2201T>C, p.Leu734Pro (NM_001321285.2); c.2828T>C, p.Leu943Pro (NM_001195227.2); short protein forms L1088P, L734P, L914P, L943P, L552P, L973P.
Identifiers: ClinVar variation 4770937 (VCV004770937.1).
Genomic context (GRCh38, chr19:49,210,340, plus strand): 5'-AATTCCACTCTCGGCCCGCGCTGGCCCCGCCCTTTATCGTCATCTCCCACTTGCGCCTCC[T>C]GCTCAGGCAATTGTGCAGGCGACCCCGGAGCCCCCAGCCGTCCTCCCCGGCCCTCGAGCA-3'
Protein context (NP_060106.2, residues 1078-1098): PFIVISHLRL[Leu1088Pro]LRQLCRRPRS